The following is an entry in ClinVar:

NM_000512.5(GALNS):c.762T>A (p.Tyr254Ter)

Gene: GALNS (galactosamine (N-acetyl)-6-sulfatase; minus strand). Cytogenetic location: 16q24.3.
Variant type: single nucleotide variant.
Coding change: c.762T>A on transcript NM_000512.5 (MANE Select); coding-DNA position 762, T replaced by A.
Protein change: p.Tyr254Ter; replaces tyrosine 254 with a stop codon.
Molecular consequence: nonsense.
Genome position (GRCh38, 1-based): chr16:88,835,349, A>T on the plus strand (T>A on the coding strand, the complement: GALNS is on the minus strand). VCF-style: chr16-88835349-A-T. GRCh37 (hg19) VCF-style: chr16-88901757-A-T.
Other names: c.207T>A, p.Tyr69Ter (NM_001323543.2); c.780T>A, p.Tyr260Ter (NM_001323544.2); short protein forms Y254*, Y260*, Y69*.
Identifiers: ClinVar variation 1048300 (VCV001048300.3), dbSNP rs770815269, ClinGen allele CA397079160.

ClinVar aggregate classification (germline): Likely pathogenic (1 of 4 stars; one submission).

Conditions:
Mucopolysaccharidosis, MPS-IV-A (MPS4A). Also called: Mucopolysaccharidosis type IV A; Mucopolysaccharidosis Type IVA; Morquio syndrome A, mild; MORQUIO SYNDROME A; MPS IVA; mucopolysaccharidosis type 4A. Identifiers: Orphanet 309297, Orphanet 582, MedGen C0086651, MONDO:0009659, OMIM 253000.

Submission:

Laboratory of Diagnosis and Therapy of Lysosomal Disorders, University of Padova
Classification: Likely pathogenic for Mucopolysaccharidosis, MPS-IV-A. Last evaluated: 2021-02-01. Review status: criteria provided, single submitter. Criteria: ACMG Guidelines, 2015. Collection method: curation. Allele origin: germline. Affected: yes.
Comment: Nonsense variant (PVS1_very strong); absent from gnomAD v2.1.1 (PM2_moderate)

Literature cited by the submitters: PubMed 27825773; PubMed 34387910.